The following is an entry in ClinVar:

NM_000038.6(APC):c.8153del (p.Leu2718fs)

Gene: APC (APC regulator of Wnt signaling pathway; plus strand). Cytogenetic location: 5q22.2.
Variant type: Deletion.
Coding change: c.8153del on transcript NM_000038.6 (MANE Select); coding-DNA position 8153, one base deleted (T; older notation c.8153delT).
Protein change: p.Leu2718fs; shifts the reading frame from leucine 2718.
Molecular consequence: frameshift variant. On other transcripts: non-coding transcript variant (2).
Genome position (GRCh38, 1-based): chr5:112,843,747, T deleted; the last of 3 consecutive T bases (chr5:112,843,745-112,843,747); deleting any one gives the same sequence. VCF-style (leftmost placement, unchanged base first): chr5-112843744-GT-G. GRCh37 (hg19) VCF-style: chr5-112179441-GT-G.
Other names: c.8153del, p.Leu2718fs (NM_001127510.3, NM_001354895.2, NM_001407450.1); c.8099del, p.Leu2700fs (NM_001127511.3); c.8207del, p.Leu2736fs (NM_001354896.2, NM_001407447.1, NM_001407448.1 and 1 more transcripts); c.8183del, p.Leu2728fs (NM_001354897.2); c.8078del, p.Leu2693fs (NM_001354898.2); c.8069del, p.Leu2690fs (NM_001354899.2); c.8030del, p.Leu2677fs (NM_001354900.2); c.7976del, p.Leu2659fs (NM_001354901.2, NM_001407453.1); and 11 more; short protein forms L2334fs, L2435fs, L2558fs, L2589fs, L2592fs, L2617fs, L2627fs, L2635fs.
Identifiers: ClinVar variation 2583573 (VCV002583573.2), dbSNP rs2533847974, ClinGen allele CA2582341606.

ClinVar aggregate classification (germline): Pathogenic (1 of 4 stars; one submission).

Conditions:
Familial adenomatous polyposis 1 (FAP1). Also called: POLYPOSIS, ADENOMATOUS INTESTINAL; FAMILIAL ADENOMATOUS POLYPOSIS 1, ATTENUATED. Identifiers: MedGen C2713442, MONDO:0021056, OMIM 175100. Disease mechanism: loss of function.

Submission:

Myriad Genetics, Inc.
Classification: Pathogenic for Familial adenomatous polyposis 1. Last evaluated: 2023-05-16. Review status: criteria provided, single submitter. Criteria: Myriad Autosomal Dominant, Autosomal Recessive and X-Linked Classification Criteria (2023). Collection method: clinical testing. Allele origin: unknown.
Comment: This variant is considered pathogenic. This variant creates a frameshift predicted to result in premature protein truncation.